The following is an entry in ClinVar:

ClinVar aggregate classification (germline): Uncertain significance (1 of 4 stars; one submission).

Conditions:
Short-rib thoracic dysplasia 14 with polydactyly (SRTD14). Identifiers: Orphanet 397715, MedGen C4225286, MONDO:0014688, OMIM 616546.
Joubert syndrome 23 (JBTS23). Identifiers: Orphanet 475, MedGen C4084822, MONDO:0014664, OMIM 616490.

Submission:

Labcorp Genetics (formerly Invitae), Labcorp
Classification: Uncertain significance for Joubert syndrome 23; Short-rib thoracic dysplasia 14 with polydactyly. Last evaluated: 2025-09-16. Review status: criteria provided, single submitter. Criteria: Invitae Variant Classification Sherloc (09022015). Collection method: clinical testing. Allele origin: germline.
Comment: This sequence change replaces proline, which is neutral and non-polar, with serine, which is neutral and polar, at codon 223 of the KIAA0586 protein (p.Pro223Ser). This variant is not present in population databases (gnomAD no frequency). This variant has not been reported in the literature in individuals affected with KIAA0586-related conditions. ClinVar contains an entry for this variant (Variation ID: 1902827). Invitae Evidence Modeling of protein sequence and biophysical properties (such as structural, functional, and spatial information, amino acid conservation, physicochemical variation, residue mobility, and thermodynamic stability) indicates that this missense variant is not expected to disrupt KIAA0586 protein function with a negative predictive value of 80%. In summary, the available evidence is currently insufficient to determine the role of this variant in disease. Therefore, it has been classified as a Variant of Uncertain Significance.

NM_001329943.3(KIAA0586):c.508C>T (p.Pro170Ser)

Gene: KIAA0586 (KIAA0586; plus strand). Cytogenetic location: 14q23.1.
Variant type: single nucleotide variant.
Coding change: c.508C>T on transcript NM_001329943.3 (MANE Select); coding-DNA position 508, C replaced by T.
Protein change: p.Pro170Ser; replaces proline 170 with serine.
Molecular consequence: missense variant.
Genome position (GRCh38, 1-based): chr14:58,442,803, C>T. VCF-style: chr14-58442803-C-T. GRCh37 (hg19) VCF-style: chr14-58909521-C-T.
Other names: c.667C>T, p.Pro223Ser (NM_001244189.2); c.463C>T, p.Pro155Ser (NM_001244190.2); c.253C>T, p.Pro85Ser (NM_001244191.2, NM_001329945.2, NM_001364700.1 and 1 more transcripts); c.376C>T, p.Pro126Ser (NM_001244192.2); c.88C>T, p.Pro30Ser (NM_001244193.2); c.508C>T, p.Pro170Ser (NM_001329944.2, NM_001329946.2, NM_001329947.2 and 1 more transcripts); short protein forms P155S, P223S, P126S, P170S, P30S, P85S.
Identifiers: ClinVar variation 1902827 (VCV001902827.5), dbSNP rs1430434374, ClinGen allele CA389861829.
Genomic context (GRCh38, chr14:58,442,803, plus strand): 5'-CATCTGTTAGAAGATGCAGGCATAGAGAAGGATGCTGTTACTCAGGAGACTAGAATTTCA[C>T]CCAGTGGAATTGATTCAGCTACAACCGTGGCTGCAGCAACTGCTGCTGCCATTGCAACCG-3'
Protein context (NP_001316872.1, residues 160-180): DAVTQETRIS[Pro170Ser]SGIDSATTVA